The following is an entry in ClinVar:

NM_033380.3(COL4A5):c.2386G>C (p.Gly796Arg)

Gene: COL4A5 (collagen type IV alpha 5 chain; plus strand). Cytogenetic location: Xq22.3.
Variant type: single nucleotide variant.
Coding change: c.2386G>C on transcript NM_033380.3 (MANE Select); coding-DNA position 2386, G replaced by C.
Protein change: p.Gly796Arg; replaces glycine 796 with arginine.
Molecular consequence: missense variant.
Genome position (GRCh38, 1-based): chrX:108,606,883, G>C. VCF-style: chrX-108606883-G-C. GRCh37 (hg19) VCF-style: chrX-107850113-G-C.
Other names: c.2386G>C, p.Gly796Arg (NM_000495.5); short protein forms G796R.
Identifiers: ClinVar variation 966589 (VCV000966589.11), dbSNP rs104886177, ClinGen allele CA413849219.
Genomic context (GRCh38, chrX:108,606,883, plus strand): 5'-GATCGTGGTTTCCCAGGACCTCCGGGTCCTCCAGGACGCACTGGCTTAGATGGGCTCCCT[G>C]GACCAAAAGGTATGGAGGCTGTCACTGCATCTCAACTTGCTTTTAACTTTTATAGAAATT-3'
Protein context (NP_203699.1, residues 786-806): PGRTGLDGLP[Gly796Arg]PKGDVGPNGQ

ClinVar aggregate classification (germline): Pathogenic. Review status: criteria provided, single submitter (1 of 4 stars). 2 submissions from 2 submitters: Pathogenic (1). 1 of the submissions does not count toward it. Last evaluated 2019-11-06.

Conditions:
COL4A5-related disorder. Also called: COL4A5-related condition.

Submissions (2):

Labcorp Genetics (formerly Invitae), Labcorp
Classification: Pathogenic. Last evaluated: 2019-11-06. Review status: criteria provided, single submitter. Criteria: Invitae Variant Classification Sherloc (09022015). Collection method: clinical testing. Allele origin: germline.
Comment: This sequence change replaces glycine with arginine at codon 796 of the COL4A5 protein (p.Gly796Arg). The glycine residue is highly conserved and there is a moderate physicochemical difference between glycine and arginine. This variant is not present in population databases (ExAC no frequency). This missense change has been observed in individual(s) with Alport syndrome (PMID: 7599631, Invitae). For these reasons, this variant has been classified as Pathogenic. Glycine residues within the Gly-Xaa-Yaa repeats of the triple helix domain are required for the structure and stability of fibrillar collagens (PMID: 7695699, 8218237, 19344236). In COL4A5, missense variants at these glycine residues are significantly enriched in individuals with disease (PMID: 23720012, 27627812) compared to the general population (ExAC).

PreventionGenetics, part of Exact Sciences
Classification: Pathogenic for COL4A5-related condition. Last evaluated: 2024-03-21. Review status: no assertion criteria provided. Collection method: clinical testing. Allele origin: germline. Not counted in ClinVar's aggregate classification.
Comment: The COL4A5 c.2386G>C variant is predicted to result in the amino acid substitution p.Gly796Arg. This variant was reported in an individual with Alport syndrome or other chronic kidney disease (Lieberman et al. 2022. PubMed ID: 36128480). This variant resides in the triple-helical region (residues 42 – 1456) of the COL4A5 protein. The majority of pathogenic variants in COL4A5 substitute a glycine residue to a bulkier amino acid in the triple-helical domain (Hudson et al. 1993. PubMed ID: 8253711). This variant has not been reported in a large population database, indicating this variant is rare. An alternate nucleotide change resulting in the same amino acid change has been reported in a family with Alport syndrome (described as c.2589G>A, G796R, Boye et al. 1995. PubMed ID: 7599631). An alternate nucleotide change affecting the same amino acid (p.Gly796Glu) has been reported in a family with Alport syndrome and an individual with focal segmental glomerulosclerosis and hearing loss (Supplementary table S1, Wang. 2012. PubMed ID: 22921432; table 4, Mallett et al. 2017. PubMed ID: 28844315). This variant is interpreted as pathogenic.

Literature cited by the submitters: PubMed 7599631 (cited by Labcorp Genetics (formerly Invitae), Labcorp); PubMed 7695699 (cited by Labcorp Genetics (formerly Invitae), Labcorp); PubMed 8218237 (cited by Labcorp Genetics (formerly Invitae), Labcorp); PubMed 19344236 (cited by Labcorp Genetics (formerly Invitae), Labcorp); PubMed 23720012 (cited by Labcorp Genetics (formerly Invitae), Labcorp); PubMed 27627812 (cited by Labcorp Genetics (formerly Invitae), Labcorp).